The following is an entry in ClinVar:

ClinVar aggregate classification (germline): Benign/Likely benign. Review status: criteria provided, multiple submitters, no conflicts (2 of 4 stars). 8 submissions from 8 submitters: Benign (7); Likely benign (1). Last evaluated 2026-02-04.

Conditions:
Congenital dyserythropoietic anemia, type I. Also called: Dyserythropoietic anemia, congenital type 1. Identifiers: Orphanet 98869, MedGen C0271933, MONDO:0020337. Disease mechanism: loss of function.
Anemia, congenital dyserythropoietic, type 1a (CDAN1A). Also called: CDAN1-Related Congenital Dyserythropoietic Anemia; DYSERYTHROPOIETIC ANEMIA, CONGENITAL, TYPE Ia. Identifiers: MedGen C5574667, MONDO:0009135, OMIM 224120.

Allele frequency attached by ClinVar (database versions not stated): gnomAD 0.40864 and 0.41429; TOPMed 0.41787; ESP Exome Variant Server 0.43025; 1000 Genomes Project 0.46146; 1000 Genomes Project 30x 0.46971.
gnomAD v4.1: 435,954 of 1,613,572 alleles (27%); highest among the groups gnomAD compares: African/African-American, 85%; 75,750 homozygotes.

Submissions (8):

Labcorp Genetics (formerly Invitae), Labcorp
Classification: Benign. Last evaluated: 2026-02-04. Review status: criteria provided, single submitter. Criteria: Invitae Variant Classification Sherloc (09022015). Collection method: clinical testing. Allele origin: germline.

ARUP Laboratories, Molecular Genetics and Genomics, ARUP Laboratories
Classification: Benign for Anemia, congenital dyserythropoietic, type 1a. Last evaluated: 2025-07-31. Review status: criteria provided, single submitter. Criteria: ARUP Molecular Germline Variant Investigation Process 2024. Collection method: clinical testing. Allele origin: germline.

Blueprint Genetics
Classification: Likely benign. Last evaluated: 2024-11-27. Review status: criteria provided, single submitter. Criteria: ACMG Guidelines, 2015. Collection method: clinical testing. Allele origin: germline.

Mayo Clinic Laboratories, Mayo Clinic
Classification: Benign. Last evaluated: 2022-09-06. Review status: criteria provided, single submitter. Criteria: ACMG Guidelines, 2015. Collection method: clinical testing. Allele origin: germline. Observed: 1,053 variant alleles.

GeneDx
Classification: Benign. Last evaluated: 2021-05-04. Review status: criteria provided, single submitter. Criteria: GeneDx Variant Classification Process June 2021. Collection method: clinical testing. Allele origin: germline. Affected: yes.

Illumina Laboratory Services, Illumina
Classification: Benign for Anemia, congenital dyserythropoietic, type 1a. Last evaluated: 2018-01-13. Review status: criteria provided, single submitter. Criteria: ICSL Variant Classification Criteria 13 December 2019. Collection method: clinical testing. Allele origin: germline.
Comment: This variant was observed in the ICSL laboratory as part of a predisposition screen in an ostensibly healthy population. It had not been previously curated by ICSL or reported in the Human Gene Mutation Database (HGMD: prior to June 1st, 2018), and was therefore a candidate for classification through an automated scoring system. Utilizing variant allele frequency, disease prevalence and penetrance estimates, and inheritance mode, an automated score was calculated to assess if this variant is too frequent to cause the disease. Based on the score and internal cut-off values, a variant classified as benign is not then subjected to further curation. The score for this variant resulted in a classification of benign for this disease.

Breakthrough Genomics
Classification: Benign. Review status: criteria provided, single submitter. Criteria: ACMG Guidelines, 2015. Collection method: not provided. Allele origin: germline. Inheritance: Autosomal recessive inheritance. Affected: yes.

PreventionGenetics, part of Exact Sciences
Classification: Benign. Review status: criteria provided, single submitter. Criteria: ACMG Guidelines, 2015. Collection method: clinical testing. Allele origin: germline.

NM_138477.4(CDAN1):c.3474A>C (p.Leu1158=)

Gene: CDAN1 (codanin 1; minus strand). Cytogenetic location: 15q15.2.
Variant type: single nucleotide variant.
Coding change: c.3474A>C on transcript NM_138477.4 (MANE Select); coding-DNA position 3474, A replaced by C.
Protein change: p.Leu1158=; no amino-acid change (leucine 1158 retained).
Molecular consequence: synonymous variant.
Genome position (GRCh38, 1-based): chr15:42,725,228, T>G on the plus strand (A>C on the coding strand, the complement: CDAN1 is on the minus strand). VCF-style: chr15-42725228-T-G. GRCh37 (hg19) VCF-style: chr15-43017426-T-G.
Other names: p.Leu1158=; c.3474A>C, p.Leu1158= (LRG_1164t1).
Identifiers: ClinVar variation 262376 (VCV000262376.32), dbSNP rs16957091, ClinGen allele CA7515116.
Genomic context (GRCh38, chr15:42,725,228, plus strand): 5'-GCTGCCCAGGCAGGCCTCTATCTCCATCCGTCCCATCAGACCCTTCTCCACCAGCTCCCG[T>G]AGCAAGAATAGCAGCAAGTCCCACTGCAAAACACACCGAGGTCAGGGTTGCTAGGAGGAC-3'
Protein context (NP_612486.2, residues 1148-1168): PREWDLLLFL[Leu1158=]RELVEKGLMG